The following is an entry in ClinVar:

ClinVar aggregate classification (germline): Likely benign (1 of 4 stars; one submission).

Submission:

CeGaT Center for Human Genetics Tuebingen
Classification: Likely benign. Last evaluated: 2026-05-01. Review status: criteria provided, single submitter. Criteria: CeGaT Center For Human Genetics Tuebingen Variant Classification Criteria Version 2. Collection method: clinical testing. Allele origin: germline. Affected: yes. Observed: 1 variant allele.
Comment: NONO: PM2:Supporting, BP4, BP7

NM_007363.5(NONO):c.*22T>C

Gene: NONO (non-POU domain containing octamer binding; plus strand). Cytogenetic location: Xq13.1.
Variant type: single nucleotide variant.
Coding change: c.*22T>C on transcript NM_007363.5 (MANE Select); 22 bases downstream of the stop codon, T replaced by C.
Molecular consequence: 3 prime UTR variant.
Genome position (GRCh38, 1-based): chrX:71,300,098, T>C. VCF-style: chrX-71300098-T-C. GRCh37 (hg19) VCF-style: chrX-70519948-T-C.
Other names: c.*22T>C (NM_001145408.2, NM_001145409.2, NM_001145410.2).
Identifiers: ClinVar variation 4873145 (VCV004873145.2).